The following is an entry in ClinVar:

NM_002907.4(RECQL):c.1093A>C (p.Ile365Leu)

Gene: RECQL (RecQ like helicase; minus strand). Cytogenetic location: 12p12.1.
Variant type: single nucleotide variant.
Coding change: c.1093A>C on transcript NM_002907.4 (MANE Select); coding-DNA position 1093, A replaced by C.
Protein change: p.Ile365Leu; replaces isoleucine 365 with leucine.
Molecular consequence: missense variant.
Genome position (GRCh38, 1-based): chr12:21,475,681, T>G on the plus strand (A>C on the coding strand, the complement: RECQL is on the minus strand). VCF-style: chr12-21475681-T-G. GRCh37 (hg19) VCF-style: chr12-21628615-T-G.
Other names: c.1093A>C, p.Ile365Leu (NM_032941.3); short protein forms I365L.
Identifiers: ClinVar variation 3710699 (VCV003710699.2).
Genomic context (GRCh38, chr12:21,475,681, plus strand): 5'-CAAGTTTAAATATTTTAAAGGTAAATTAGGCTTCTATGGAAGATATAGACCTAACCTGAA[T>G]TTCATTGGCTGACCATTTTCTATGAACTGTGGTCTTATCTTCTGGCTCCAAATTGGCATG-3'
Protein context (NP_002898.2, residues 355-375): TVHRKWSANE[Ile365Leu]QVVVATVAFG

ClinVar aggregate classification (germline): Uncertain significance (1 of 4 stars; one submission).

Submission:

Labcorp Genetics (formerly Invitae), Labcorp
Classification: Uncertain significance. Last evaluated: 2024-12-24. Review status: criteria provided, single submitter. Criteria: Invitae Variant Classification Sherloc (09022015). Collection method: clinical testing. Allele origin: germline.
Comment: This sequence change replaces isoleucine, which is neutral and non-polar, with leucine, which is neutral and non-polar, at codon 365 of the RECQL protein (p.Ile365Leu). This variant is not present in population databases (gnomAD no frequency). This variant has not been reported in the literature in individuals affected with RECQL-related conditions. Invitae Evidence Modeling of protein sequence and biophysical properties (such as structural, functional, and spatial information, amino acid conservation, physicochemical variation, residue mobility, and thermodynamic stability) indicates that this missense variant is not expected to disrupt RECQL protein function with a negative predictive value of 80%. In summary, the available evidence is currently insufficient to determine the role of this variant in disease. Therefore, it has been classified as a Variant of Uncertain Significance.